The following is an entry in ClinVar:

ClinVar aggregate classification (germline): Uncertain significance (1 of 4 stars; one submission).

Submission:

GeneDx
Classification: Uncertain significance. Last evaluated: 2024-05-02. Review status: criteria provided, single submitter. Criteria: GeneDx Variant Classification Process June 2021. Collection method: clinical testing. Allele origin: germline. Affected: yes.
Comment: Not observed at significant frequency in large population cohorts (gnomAD); In silico analysis supports that this missense variant has a deleterious effect on protein structure/function; Has not been previously published as pathogenic or benign to our knowledge

NM_002224.4(ITPR3):c.847T>C (p.Trp283Arg)

Gene: ITPR3 (inositol 1,4,5-trisphosphate receptor type 3; plus strand). Cytogenetic location: 6p21.31.
Variant type: single nucleotide variant.
Coding change: c.847T>C on transcript NM_002224.4 (MANE Select); coding-DNA position 847, T replaced by C.
Protein change: p.Trp283Arg; replaces tryptophan 283 with arginine.
Molecular consequence: missense variant.
Genome position (GRCh38, 1-based): chr6:33,662,663, T>C. VCF-style: chr6-33662663-T-C. GRCh37 (hg19) VCF-style: chr6-33630440-T-C.
Other names: short protein forms W283R.
Identifiers: ClinVar variation 3376007 (VCV003376007.1).